The following is an entry in ClinVar:

ClinVar aggregate classification (germline): Uncertain significance (1 of 4 stars; one submission).

Submission:

GeneDx
Classification: Uncertain significance. Last evaluated: 2023-03-28. Review status: criteria provided, single submitter. Criteria: GeneDx Variant Classification Process June 2021. Collection method: clinical testing. Allele origin: germline. Affected: yes.
Comment: Not observed at significant frequency in large population cohorts (gnomAD); Nonsense variant predicted to result in protein truncation or nonsense-mediated decay in a gene or region of a gene for which loss of function is not a well-established mechanism of disease; Has not been previously published as pathogenic or benign to our knowledge

NM_005445.4(SMC3):c.2890C>T (p.Gln964Ter)

Gene: SMC3 (structural maintenance of chromosomes 3; plus strand). Cytogenetic location: 10q25.2.
Variant type: single nucleotide variant.
Coding change: c.2890C>T on transcript NM_005445.4 (MANE Select); coding-DNA position 2890, C replaced by T.
Protein change: p.Gln964Ter; replaces glutamine 964 with a stop codon.
Molecular consequence: nonsense.
Genome position (GRCh38, 1-based): chr10:110,601,882, C>T. VCF-style: chr10-110601882-C-T. GRCh37 (hg19) VCF-style: chr10-112361640-C-T.
Other names: short protein forms Q964*.
Identifiers: ClinVar variation 2581923 (VCV002581923.1), dbSNP rs2493148116, ClinGen allele CA378393942.
Genomic context (GRCh38, chr10:110,601,882, plus strand): 5'-CGAGAACTTGGATCACTTCCCCAGGAAGCATTTGAAAAGTACCAGACACTGAGCCTCAAA[C>T]AGGTTGGTTTTAAATTTGAAGTCTTGTTACAAATTGCTCAGTATATAAATTTATTTATAT-3'